The following is an entry in ClinVar:

ClinVar aggregate classification (germline): Uncertain significance (1 of 4 stars; one submission).

Allele frequency attached by ClinVar (database versions not stated): gnomAD 0.00001; gnomAD exomes 0.00001; TOPMed 0.00002.
gnomAD v4.1: 10 of 1,581,212 alleles (0.00063%); highest among the groups gnomAD compares: South Asian, 0.0012%; no homozygotes.

Submission:

Labcorp Genetics (formerly Invitae), Labcorp
Classification: Uncertain significance. Last evaluated: 2022-10-17. Review status: criteria provided, single submitter. Criteria: Invitae Variant Classification Sherloc (09022015). Collection method: clinical testing. Allele origin: germline.
Comment: This sequence change replaces glycine, which is neutral and non-polar, with serine, which is neutral and polar, at codon 21 of the EIF2B5 protein (p.Gly21Ser). This variant is not present in population databases (gnomAD no frequency). This variant has not been reported in the literature in individuals affected with EIF2B5-related conditions. Algorithms developed to predict the effect of missense changes on protein structure and function are either unavailable or do not agree on the potential impact of this missense change (SIFT: "Tolerated"; PolyPhen-2: "Not Available"; Align-GVGD: "Class C0"). In summary, the available evidence is currently insufficient to determine the role of this variant in disease. Therefore, it has been classified as a Variant of Uncertain Significance.

NM_003907.3(EIF2B5):c.61G>A (p.Gly21Ser)

Gene: EIF2B5 (eukaryotic translation initiation factor 2B subunit epsilon; plus strand). Cytogenetic location: 3q27.1.
Variant type: single nucleotide variant.
Coding change: c.61G>A on transcript NM_003907.3 (MANE Select); coding-DNA position 61, G replaced by A.
Protein change: p.Gly21Ser; replaces glycine 21 with serine.
Molecular consequence: missense variant.
Genome position (GRCh38, 1-based): chr3:184,135,446, G>A. VCF-style: chr3-184135446-G-A. GRCh37 (hg19) VCF-style: chr3-183853234-G-A.
Other names: short protein forms G21S.
Identifiers: ClinVar variation 1912253 (VCV001912253.2), dbSNP rs779984946, ClinGen allele CA2726310.